The following is an entry in ClinVar:

ClinVar aggregate classification (germline): Uncertain significance (1 of 4 stars; one submission).

Conditions:
Methylmalonic acidemia with homocystinuria, type cblX (MAHCX). Also called: INTELLECTUAL DEVELOPMENTAL DISORDER, X-LINKED 3. Identifiers: Orphanet 369962, MedGen C0796208, MONDO:0010657, OMIM 309541.

Allele frequency attached by ClinVar (database versions not stated): gnomAD exomes 0.00001.
gnomAD v4.1: 9 of 1,210,119 alleles (0.00074%); highest among the groups gnomAD compares: South Asian, 0.0018%; no homozygotes.

Submission:

Labcorp Genetics (formerly Invitae), Labcorp
Classification: Uncertain significance for Methylmalonic acidemia with homocystinuria, type cblX. Last evaluated: 2022-03-11. Review status: criteria provided, single submitter. Criteria: Invitae Variant Classification Sherloc (09022015). Collection method: clinical testing. Allele origin: germline.
Comment: In summary, the available evidence is currently insufficient to determine the role of this variant in disease. Therefore, it has been classified as a Variant of Uncertain Significance. Algorithms developed to predict the effect of sequence changes on RNA splicing suggest that this variant may create or strengthen a splice site. Algorithms developed to predict the effect of missense changes on protein structure and function are either unavailable or do not agree on the potential impact of this missense change (SIFT: "Tolerated"; PolyPhen-2: "Possibly Damaging"; Align-GVGD: "Class C0"). ClinVar contains an entry for this variant (Variation ID: 936621). This variant has not been reported in the literature in individuals affected with HCFC1-related conditions. This variant is not present in population databases (gnomAD no frequency). This sequence change replaces threonine, which is neutral and polar, with alanine, which is neutral and non-polar, at codon 1475 of the HCFC1 protein (p.Thr1475Ala).

NM_005334.3(HCFC1):c.4423A>G (p.Thr1475Ala)

Genes: HCFC1 (host cell factor C1; minus strand), LOC130068842 (ATAC-STARR-seq lymphoblastoid active region 30044; plus strand). Cytogenetic location: Xq28.
Variant type: single nucleotide variant.
Coding change: c.4423A>G on transcript NM_005334.3 (MANE Select); coding-DNA position 4423, A replaced by G.
Protein change: p.Thr1475Ala; replaces threonine 1475 with alanine.
Molecular consequence: missense variant.
Genome position (GRCh38, 1-based): chrX:153,953,681, T>C on the plus strand (A>G on the coding strand, the complement: HCFC1 is on the minus strand). VCF-style: chrX-153953681-T-C. GRCh37 (hg19) VCF-style: chrX-153219132-T-C.
Other names: short protein forms T1475A.
Identifiers: ClinVar variation 936621 (VCV000936621.8), dbSNP rs2065338418, ClinGen allele CA415114917.